The following is an entry in ClinVar:

ClinVar aggregate classification (germline): Uncertain significance (1 of 4 stars; one submission).

Allele frequency attached by ClinVar (database versions not stated): ExAC 0.00003.
gnomAD v4.1: 19 of 1,614,138 alleles (0.0012%); highest among the groups gnomAD compares: Admixed American, 0.03%; no homozygotes.

Submission:

Labcorp Genetics (formerly Invitae), Labcorp
Classification: Uncertain significance. Last evaluated: 2023-12-30. Review status: criteria provided, single submitter. Criteria: Invitae Variant Classification Sherloc (09022015). Collection method: clinical testing. Allele origin: germline.
Comment: This sequence change replaces methionine, which is neutral and non-polar, with leucine, which is neutral and non-polar, at codon 374 of the AP3D1 protein (p.Met374Leu). This variant is present in population databases (rs768665050, gnomAD 0.05%). This variant has not been reported in the literature in individuals affected with AP3D1-related conditions. ClinVar contains an entry for this variant (Variation ID: 2158183). An algorithm developed to predict the effect of missense changes on protein structure and function (PolyPhen-2) suggests that this variant is likely to be tolerated. In summary, the available evidence is currently insufficient to determine the role of this variant in disease. Therefore, it has been classified as a Variant of Uncertain Significance.

NM_001261826.3(AP3D1):c.1120A>T (p.Met374Leu)

Gene: AP3D1 (adaptor related protein complex 3 subunit delta 1; minus strand). Cytogenetic location: 19p13.3.
Variant type: single nucleotide variant.
Coding change: c.1120A>T on transcript NM_001261826.3 (MANE Select); coding-DNA position 1120, A replaced by T.
Protein change: p.Met374Leu; replaces methionine 374 with leucine.
Molecular consequence: missense variant.
Genome position (GRCh38, 1-based): chr19:2,121,293, T>A on the plus strand (A>T on the coding strand, the complement: AP3D1 is on the minus strand). VCF-style: chr19-2121293-T-A. GRCh37 (hg19) VCF-style: chr19-2121292-T-A.
Other names: c.1120A>T, p.Met374Leu (NM_001374799.1, NM_003938.8); short protein forms M374L.
Identifiers: ClinVar variation 2158183 (VCV002158183.4), dbSNP rs768665050, ClinGen allele CA9059403.